The following is an entry in ClinVar:

ClinVar aggregate classification (germline): Uncertain significance. Review status: criteria provided, multiple submitters, no conflicts (2 of 4 stars). 9 submissions from 5 submitters: Uncertain significance (9). Last evaluated 2024-12-02.

Conditions:
CEP290-related disorder. Also called: CEP290-related disorders; CEP290-related condition. Identifiers: MedGen CN239314.
Inborn genetic diseases. Identifiers: MedGen C0950123, MeSH D030342.
Joubert syndrome. Also called: Familial aplasia of the vermis; JOUBERT-BOLTSHAUSER SYNDROME. Identifiers: Orphanet 475, MedGen C5979921, MONDO:0018772.
Meckel-Gruber syndrome. Also called: DYSENCEPHALIA SPLANCHNOCYSTICA; GRUBER SYNDROME; Dysencephalia splachnocystica. Identifiers: Orphanet 564, MedGen C0265215, MONDO:0018921.
Nephronophthisis. Also called: Juvenile Nephronophthisis. Identifiers: Orphanet 655, MedGen C0687120, MONDO:0019005, HP:0000090.
Bardet-Biedl syndrome 14 (BBS14). Identifiers: Orphanet 110, MedGen C2673874, MONDO:0014442, OMIM 615991.
Leber congenital amaurosis 10 (LCA10). Identifiers: Orphanet 65, MedGen C1857821, MONDO:0012723, OMIM 611755.
Meckel syndrome, type 4 (MKS4). Also called: MECKEL-GRUBER SYNDROME, TYPE 4. Identifiers: Orphanet 564, MedGen C1970161, MONDO:0012626, OMIM 611134.
Senior-Loken syndrome 6 (SLSN6). Identifiers: Orphanet 3156, MedGen C1857779, MONDO:0012433, OMIM 610189.
Joubert syndrome 5 (JBTS5). Identifiers: Orphanet 2318, MedGen C1857780, MONDO:0012432, OMIM 610188.

Allele frequency attached by ClinVar (database versions not stated): TOPMed 0.00003.
gnomAD v4.1: 16 of 1,539,698 alleles (0.001%); highest among the groups gnomAD compares: Non-Finnish European, 0.0013%; no homozygotes.

Submissions (9):

PreventionGenetics, part of Exact Sciences
Classification: Uncertain significance for CEP290-related condition. Last evaluated: 2024-12-02. Review status: criteria provided, single submitter. Criteria: ACMG Guidelines, 2015. Collection method: clinical testing. Allele origin: germline.
Comment: The CEP290 c.1921G>C variant is predicted to result in the amino acid substitution p.Val641Leu. To our knowledge, this variant has not been reported in the literature. This variant is reported in 0.0016% of alleles in individuals of European (Non-Finnish) descent in gnomAD. At this time, the clinical significance of this variant is uncertain due to the absence of conclusive functional and genetic evidence.

Ambry Genetics
Classification: Uncertain significance for Inborn genetic diseases. Last evaluated: 2024-11-10. Review status: criteria provided, single submitter. Criteria: Ambry Variant Classification Scheme 2023. Collection method: clinical testing. Allele origin: germline.

Labcorp Genetics (formerly Invitae), Labcorp
Classification: Uncertain significance for Joubert syndrome; Meckel-Gruber syndrome; Nephronophthisis. Last evaluated: 2021-08-31. Review status: criteria provided, single submitter. Criteria: Invitae Variant Classification Sherloc (09022015). Collection method: clinical testing. Allele origin: germline.
Comment: This sequence change replaces valine with leucine at codon 641 of the CEP290 protein (p.Val641Leu). The valine residue is weakly conserved and there is a small physicochemical difference between valine and leucine. This variant is not present in population databases (ExAC no frequency). This variant has not been reported in the literature in individuals affected with CEP290-related conditions. ClinVar contains an entry for this variant (Variation ID: 310615). Algorithms developed to predict the effect of missense changes on protein structure and function (SIFT, PolyPhen-2, Align-GVGD) all suggest that this variant is likely to be tolerated. In summary, the available evidence is currently insufficient to determine the role of this variant in disease. Therefore, it has been classified as a Variant of Uncertain Significance.

GeneDx
Classification: Uncertain significance. Last evaluated: 2019-05-21. Review status: criteria provided, single submitter. Criteria: GeneDx Variant Classification Process June 2021. Collection method: clinical testing. Allele origin: germline. Affected: yes.
Comment: Not observed at a significant frequency in large population cohorts (Lek et al., 2016); In silico analysis, which includes protein predictors and evolutionary conservation, supports that this variant does not alter protein structure/function; Has not been previously published as pathogenic or benign to our knowledge

Illumina Laboratory Services, Illumina
Classification: Uncertain significance for Bardet-Biedl syndrome 14. Last evaluated: 2018-01-12. Review status: criteria provided, single submitter. Criteria: ICSL Variant Classification Criteria 13 December 2019. Collection method: clinical testing. Allele origin: germline.

Illumina Laboratory Services, Illumina
Classification: Uncertain significance for Leber congenital amaurosis 10. Last evaluated: 2018-01-12. Review status: criteria provided, single submitter. Criteria: ICSL Variant Classification Criteria 13 December 2019. Collection method: clinical testing. Allele origin: germline.

Illumina Laboratory Services, Illumina
Classification: Uncertain significance for Senior-Loken syndrome 6. Last evaluated: 2018-01-12. Review status: criteria provided, single submitter. Criteria: ICSL Variant Classification Criteria 13 December 2019. Collection method: clinical testing. Allele origin: germline.

Illumina Laboratory Services, Illumina
Classification: Uncertain significance for Meckel syndrome, type 4. Last evaluated: 2018-01-12. Review status: criteria provided, single submitter. Criteria: ICSL Variant Classification Criteria 13 December 2019. Collection method: clinical testing. Allele origin: germline.

Illumina Laboratory Services, Illumina
Classification: Uncertain significance for Joubert syndrome 5. Last evaluated: 2018-01-12. Review status: criteria provided, single submitter. Criteria: ICSL Variant Classification Criteria 13 December 2019. Collection method: clinical testing. Allele origin: germline.

NM_025114.4(CEP290):c.1921G>C (p.Val641Leu)

Gene: CEP290 (centrosomal protein 290; minus strand). Cytogenetic location: 12q21.32.
Variant type: single nucleotide variant.
Coding change: c.1921G>C on transcript NM_025114.4 (MANE Select); coding-DNA position 1921, G replaced by C.
Protein change: p.Val641Leu; replaces valine 641 with leucine.
Molecular consequence: missense variant.
Genome position (GRCh38, 1-based): chr12:88,114,551, C>G on the plus strand (G>C on the coding strand, the complement: CEP290 is on the minus strand). VCF-style: chr12-88114551-C-G. GRCh37 (hg19) VCF-style: chr12-88508328-C-G.
Other names: short protein forms V641L.
Identifiers: ClinVar variation 310615 (VCV000310615.14), dbSNP rs886049883, ClinGen allele CA10642537.